The following is an entry in ClinVar:

NM_000574.5(CD55):c.1129A>G (p.Met377Val)

Gene: CD55 (CD55 molecule (Cromer blood group); plus strand). Cytogenetic location: 1q32.2.
Variant type: single nucleotide variant.
Coding change: c.1129A>G on transcript NM_000574.5 (MANE Select); coding-DNA position 1129, A replaced by G.
Protein change: p.Met377Val; replaces methionine 377 with valine.
Molecular consequence: missense variant. On other transcripts: 3 prime UTR variant (1), non-coding transcript variant (1).
Genome position (GRCh38, 1-based): chr1:207,359,593, A>G. VCF-style: chr1-207359593-A-G. GRCh37 (hg19) VCF-style: chr1-207532938-A-G.
Other names: c.1129A>G (NM_000574.3); c.1247A>G, p.His416Arg (NM_001114752.3); c.1244A>G, p.His415Arg (NM_001300903.2); c.*67A>G (NM_001300904.2); short protein forms M377V, H415R, H416R.
Identifiers: ClinVar variation 1390373 (VCV001390373.8), dbSNP rs746580979, ClinGen allele CA1368292.

ClinVar aggregate classification (germline): Uncertain significance. Review status: criteria provided, multiple submitters, no conflicts (2 of 4 stars). 3 submissions from 3 submitters: Uncertain significance (3). Last evaluated 2025-05-07.

Conditions:
Inborn genetic diseases. Identifiers: MedGen C0950123, MeSH D030342.

Allele frequency attached by ClinVar (database versions not stated): ExAC 0.00001; gnomAD 0.00001; gnomAD exomes 0.00001 and 0.00003; TOPMed 0.00001.
gnomAD v4.1: 16 of 1,594,608 alleles (0.001%); highest among the groups gnomAD compares: East Asian, 0.018%; no homozygotes.

Submissions (3):

Ambry Genetics
Classification: Uncertain significance for Inborn genetic diseases. Last evaluated: 2025-05-07. Review status: criteria provided, single submitter. Criteria: Ambry Variant Classification Scheme 2023. Collection method: clinical testing. Allele origin: germline.

Blueprint Genetics
Classification: Uncertain significance. Last evaluated: 2023-02-01. Review status: criteria provided, single submitter. Criteria: ACMG Guidelines, 2015. Collection method: clinical testing. Allele origin: germline.

Labcorp Genetics (formerly Invitae), Labcorp
Classification: Uncertain significance. Last evaluated: 2022-11-22. Review status: criteria provided, single submitter. Criteria: Invitae Variant Classification Sherloc (09022015). Collection method: clinical testing. Allele origin: germline.
Comment: This sequence change replaces methionine, which is neutral and non-polar, with valine, which is neutral and non-polar, at codon 377 of the CD55 protein (p.Met377Val). This variant is present in population databases (rs746580979, gnomAD 0.03%). This variant has not been reported in the literature in individuals affected with CD55-related conditions. ClinVar contains an entry for this variant (Variation ID: 1390373). Algorithms developed to predict the effect of missense changes on protein structure and function are either unavailable or do not agree on the potential impact of this missense change (SIFT: "Tolerated"; PolyPhen-2: "Not Available"; Align-GVGD: "Class C0"). In summary, the available evidence is currently insufficient to determine the role of this variant in disease. Therefore, it has been classified as a Variant of Uncertain Significance.